The following is an entry in ClinVar:

ClinVar aggregate classification (germline): Uncertain significance (1 of 4 stars; one submission).

gnomAD v4.1: 1 of 1,594,858 alleles (0.000063%); highest among the groups gnomAD compares: Non-Finnish European, 0.000085%; no homozygotes.

Submission:

Ambry Genetics
Classification: Uncertain significance. Last evaluated: 2022-08-24. Review status: criteria provided, single submitter. Criteria: Ambry Variant Classification Scheme 2023. Collection method: clinical testing. Allele origin: germline.
Comment: The p.N190K variant (also known as c.570C>G), located in coding exon 4 of the BUB3 gene, results from a C to G substitution at nucleotide position 570. The asparagine at codon 190 is replaced by lysine, an amino acid with similar properties. This amino acid position is conserved. In addition, this alteration is predicted to be tolerated by in silico analysis. Since supporting evidence is limited at this time, the clinical significance of this alteration remains unclear.

NM_004725.4(BUB3):c.570C>G (p.Asn190Lys)

Gene: BUB3 (BUB3 mitotic checkpoint protein; plus strand). Cytogenetic location: 10q26.13.
Variant type: single nucleotide variant.
Coding change: c.570C>G on transcript NM_004725.4 (MANE Select); coding-DNA position 570, C replaced by G.
Protein change: p.Asn190Lys; replaces asparagine 190 with lysine.
Molecular consequence: missense variant.
Genome position (GRCh38, 1-based): chr10:123,160,559, C>G. VCF-style: chr10-123160559-C-G. GRCh37 (hg19) VCF-style: chr10-124920075-C-G.
Other names: c.570C>G, p.Asn190Lys (NM_001007793.3); short protein forms N190K.
Identifiers: ClinVar variation 1749203 (VCV001749203.2), dbSNP rs1389366708, ClinGen allele CA378626386.